The following is an entry in ClinVar:

ClinVar aggregate classification (germline): Uncertain significance. Review status: criteria provided, multiple submitters, no conflicts (2 of 4 stars). 3 submissions from 3 submitters: Uncertain significance (3). Last evaluated 2026-01-13.

Conditions:
Dilated cardiomyopathy 1W (CMD1W). Identifiers: Orphanet 154, MedGen C1969639, MONDO:0012667, OMIM 611407.
Cardiovascular phenotype. Identifiers: MedGen CN230736.

Allele frequency attached by ClinVar (database versions not stated): gnomAD 0.00001; gnomAD exomes 0.00002 and 0.00008; TOPMed 0.00004; ExAC 0.00009.
gnomAD v4.1: 29 of 1,614,000 alleles (0.0018%); highest among the groups gnomAD compares: Admixed American, 0.047%; no homozygotes.

Submissions (3):

Ambry Genetics
Classification: Uncertain significance for Cardiovascular phenotype. Last evaluated: 2026-01-13. Review status: criteria provided, single submitter. Criteria: Ambry Variant Classification Scheme 2023. Collection method: clinical testing. Allele origin: germline.
Comment: The p.M350I variant (also known as c.1050G>A), located in coding exon 9 of the VCL gene, results from a G to A substitution at nucleotide position 1050. The methionine at codon 350 is replaced by isoleucine, an amino acid with highly similar properties. This amino acid position is highly conserved in available vertebrate species. In addition, this alteration is predicted to be tolerated by in silico analysis. Based on the available evidence, the clinical significance of this variant remains unclear.

Labcorp Genetics (formerly Invitae), Labcorp
Classification: Uncertain significance for Dilated cardiomyopathy 1W. Last evaluated: 2025-11-07. Review status: criteria provided, single submitter. Criteria: Invitae Variant Classification Sherloc (09022015). Collection method: clinical testing. Allele origin: germline.
Comment: This sequence change replaces methionine, which is neutral and non-polar, with isoleucine, which is neutral and non-polar, at codon 350 of the VCL protein (p.Met350Ile). This variant is present in population databases (rs771542436, gnomAD 0.06%), and has an allele count higher than expected for a pathogenic variant. This variant has not been reported in the literature in individuals affected with VCL-related conditions. ClinVar contains an entry for this variant (Variation ID: 572274). An algorithm developed to predict the effect of missense changes on protein structure and function (PolyPhen-2) suggests that this variant is likely to be tolerated. In summary, the available evidence is currently insufficient to determine the role of this variant in disease. Therefore, it has been classified as a Variant of Uncertain Significance.

GeneDx
Classification: Uncertain significance. Last evaluated: 2024-10-16. Review status: criteria provided, single submitter. Criteria: GeneDx Variant Classification Process June 2021. Collection method: clinical testing. Allele origin: germline. Affected: yes.
Comment: In silico analysis indicates that this missense variant does not alter protein structure/function; Has not been previously published as pathogenic or benign to our knowledge

NM_014000.3(VCL):c.1050G>A (p.Met350Ile)

Gene: VCL (vinculin; plus strand). Cytogenetic location: 10q22.2.
Variant type: single nucleotide variant.
Coding change: c.1050G>A on transcript NM_014000.3 (MANE Select); coding-DNA position 1050, G replaced by A.
Protein change: p.Met350Ile; replaces methionine 350 with isoleucine.
Molecular consequence: missense variant.
Genome position (GRCh38, 1-based): chr10:74,089,223, G>A. VCF-style: chr10-74089223-G-A. GRCh37 (hg19) VCF-style: chr10-75848981-G-A.
Other names: c.1050G>A, p.Met350Ile (NM_003373.4); short protein forms M350I.
Identifiers: ClinVar variation 572274 (VCV000572274.14), dbSNP rs771542436, ClinGen allele CA5562925.
Genomic context (GRCh38, chr10:74,089,223, plus strand): 5'-TGTACAATGACAGCATGTGTCTGTTTTGAGCAGAGGACAAGGATCCTCACCGGTGGCCAT[G>A]CAGAAAGCTCAGCAGGTATCTCAGGGTCTGGATGTGCTCACAGCAAAAGTGGAAAATGCA-3'
Protein context (NP_054706.1, residues 340-360): ARGQGSSPVA[Met350Ile]QKAQQVSQGL